The following is an entry in ClinVar:

NM_014585.6(SLC40A1):c.1711G>T (p.Val571Phe)

Gene: SLC40A1 (solute carrier family 40 member 1; minus strand). Cytogenetic location: 2q32.2.
Variant type: single nucleotide variant.
Coding change: c.1711G>T on transcript NM_014585.6 (MANE Select); coding-DNA position 1711, G replaced by T.
Protein change: p.Val571Phe; replaces valine 571 with phenylalanine.
Molecular consequence: missense variant.
Genome position (GRCh38, 1-based): chr2:189,561,883, C>A on the plus strand (G>T on the coding strand, the complement: SLC40A1 is on the minus strand). VCF-style: chr2-189561883-C-A. GRCh37 (hg19) VCF-style: chr2-190426609-C-A.
Other names: short protein forms V571F.
Identifiers: ClinVar variation 4750457 (VCV004750457.1).

ClinVar aggregate classification (germline): Uncertain significance (1 of 4 stars; one submission).

Conditions:
Hemochromatosis type 4 (HFE4). Also called: Ferroportin disease; HEMOCHROMATOSIS DUE TO DEFECT IN FERROPORTIN; HEMOCHROMATOSIS, AUTOSOMAL DOMINANT. Identifiers: Orphanet 139491, Orphanet 647834, Orphanet 648562, MedGen C1853733, MONDO:0011631, OMIM 606069.

gnomAD v4.1: 2 of 1,613,382 alleles (0.00012%); highest among the groups gnomAD compares: Non-Finnish European, 0.00017%; no homozygotes.

Submission:

Labcorp Genetics (formerly Invitae), Labcorp
Classification: Uncertain significance for Hemochromatosis type 4. Last evaluated: 2025-09-15. Review status: criteria provided, single submitter. Criteria: Invitae Variant Classification Sherloc (09022015). Collection method: clinical testing. Allele origin: germline.
Comment: This sequence change replaces valine, which is neutral and non-polar, with phenylalanine, which is neutral and non-polar, at codon 571 of the SLC40A1 protein (p.Val571Phe). This variant is not present in population databases (gnomAD no frequency). This variant has not been reported in the literature in individuals affected with SLC40A1-related conditions. Invitae Evidence Modeling of protein sequence and biophysical properties (such as structural, functional, and spatial information, amino acid conservation, physicochemical variation, residue mobility, and thermodynamic stability) indicates that this missense variant is not expected to disrupt SLC40A1 protein function with a negative predictive value of 95%. In summary, the available evidence is currently insufficient to determine the role of this variant in disease. Therefore, it has been classified as a Variant of Uncertain Significance.